The following is an entry in ClinVar:

NM_001364171.2(ODAD1):c.257A>G (p.Asp86Gly)

Gene: ODAD1 (outer dynein arm docking complex subunit 1; minus strand). Cytogenetic location: 19q13.33.
Variant type: single nucleotide variant.
Coding change: c.257A>G on transcript NM_001364171.2 (MANE Select); coding-DNA position 257, A replaced by G.
Protein change: p.Asp86Gly; replaces aspartic acid 86 with glycine.
Molecular consequence: missense variant.
Genome position (GRCh38, 1-based): chr19:48,318,490, T>C on the plus strand (A>G on the coding strand, the complement: ODAD1 is on the minus strand). VCF-style: chr19-48318490-T-C. GRCh37 (hg19) VCF-style: chr19-48821747-T-C.
Other names: c.146A>G, p.Asp49Gly (NM_144577.4); short protein forms D86G, D49G.
Identifiers: ClinVar variation 3717549 (VCV003717549.2).

ClinVar aggregate classification (germline): Uncertain significance (1 of 4 stars; one submission).

Conditions:
Primary ciliary dyskinesia. Also called: Ciliary dyskinesia. Identifiers: Orphanet 244, MedGen C0008780, MONDO:0016575, HP:0012265.

Submission:

Labcorp Genetics (formerly Invitae), Labcorp
Classification: Uncertain significance for Primary ciliary dyskinesia. Last evaluated: 2024-10-07. Review status: criteria provided, single submitter. Criteria: Invitae Variant Classification Sherloc (09022015). Collection method: clinical testing. Allele origin: germline.
Comment: This sequence change replaces aspartic acid, which is acidic and polar, with glycine, which is neutral and non-polar, at codon 49 of the CCDC114 protein (p.Asp49Gly). This variant is not present in population databases (gnomAD no frequency). This variant has not been reported in the literature in individuals affected with CCDC114-related conditions. An algorithm developed to predict the effect of missense changes on protein structure and function (PolyPhen-2) suggests that this variant is likely to be disruptive. In summary, the available evidence is currently insufficient to determine the role of this variant in disease. Therefore, it has been classified as a Variant of Uncertain Significance.